The following is an entry in ClinVar:

NM_001387690.1(KATNAL2):c.749A>G (p.Asn250Ser)

Gene: KATNAL2 (katanin catalytic subunit A1 like 2; plus strand). Cytogenetic location: 18q21.1.
Variant type: single nucleotide variant.
Coding change: c.749A>G on transcript NM_001387690.1 (MANE Select); coding-DNA position 749, A replaced by G.
Protein change: p.Asn250Ser; replaces asparagine 250 with serine.
Molecular consequence: missense variant. On other transcripts: intron variant (4).
Genome position (GRCh38, 1-based): chr18:47,067,043, A>G. VCF-style: chr18-47067043-A-G. GRCh37 (hg19) VCF-style: chr18-44593414-A-G.
Other names: c.827A>G, p.Asn276Ser (NM_001353899.1); c.824A>G, p.Asn275Ser (NM_001353900.1); c.749A>G, p.Asn250Ser (NM_001353901.1, NM_001367621.1); c.416A>G, p.Asn139Ser (NM_001353903.1, NM_001353905.1, NM_001353906.1 and 1 more transcripts); c.533A>G, p.Asn178Ser (NM_031303.3); c.394-2177A>G (NM_001353904.1, NM_001353909.1, NM_001353908.1); c.805-2177A>G (NM_001353902.1); short protein forms N178S, N275S, N276S, N139S, N250S.
Identifiers: ClinVar variation 589208 (VCV000589208.5), dbSNP rs776011849, ClinGen allele CA8955084.

ClinVar aggregate classification (germline): Uncertain significance (1 of 4 stars; one submission).

Allele frequency attached by ClinVar (database versions not stated): gnomAD exomes below 0.00001; ExAC 0.00001.
gnomAD v4.1: 1 of 1,591,096 alleles (0.000063%); highest among the groups gnomAD compares: Admixed American, 0.0017%; no homozygotes.

Submission:

Ambry Genetics
Classification: Uncertain significance. Last evaluated: 2017-05-31. Review status: criteria provided, single submitter. Criteria: Ambry Variant Classification Scheme 2023. Collection method: clinical testing. Allele origin: germline.
Comment: The p.N178S variant (also known as c.533A>G), located in coding exon 7 of the KATNAL2 gene, results from an A to G substitution at nucleotide position 533. The asparagine at codon 178 is replaced by serine, an amino acid with highly similar properties. This amino acid position is highly conserved in available vertebrate species. In addition, the in silico prediction for this alteration is inconclusive. Since supporting evidence is limited at this time, the clinical significance of this alteration remains unclear.